The following is an entry in ClinVar:

ClinVar aggregate classification (germline): Conflicting classifications of pathogenicity. Review status: criteria provided, conflicting classifications (1 of 4 stars). 4 submissions from 4 submitters: Uncertain significance (2); Likely benign (2). Last evaluated 2026-08-06.

Conditions:
Familial cold autoinflammatory syndrome 3 (FCAS3). Also called: ANTIBODY DEFICIENCY AND IMMUNE DYSREGULATION, PLCG2-ASSOCIATED; FAMILIAL ATYPICAL COLD URTICARIA. Identifiers: Orphanet 300359, MedGen C3280914, MONDO:0013766, OMIM 614468.
Autoinflammation-PLCG2-associated antibody deficiency-immune dysregulation. Also called: Autoinflammation, antibody deficiency, and immune dysregulation, plcg2-associated; AUTOINFLAMMATION, ANTIBODY DEFICIENCY, AND IMMUNE DYSREGULATION; Autoinflammation, antibody deficiency, and immune dysregulation syndrome. Identifiers: Orphanet 324530, MedGen C3553961, MONDO:0013944, OMIM 614878.

Allele frequency attached by ClinVar (database versions not stated): gnomAD 0.00016; 1000 Genomes Project 0.00020; TOPMed 0.00024; 1000 Genomes Project 30x 0.00031.
gnomAD v4.1: 428 of 1,613,874 alleles (0.027%); highest among the groups gnomAD compares: Non-Finnish European, 0.029%; no homozygotes.

Submissions (5):

OLLIN Analises Genomicas, OLLIN
Classification: Uncertain significance for Autoinflammation-PLCG2-associated antibody deficiency-immune dysregulation. Last evaluated: 2026-08-06. Review status: criteria provided, single submitter. Criteria: ACMG Guidelines 2015 PMID 25741868. Collection method: clinical testing. Allele origin: germline.
Comment: This missense variant, located in exon 4 (of 33), has been reported in ClinVar (accession VCV000579871.47) and in gnomAD with an allele frequency of 0.027%. However, to our knowledge, it has not been reported in the scientific literature. In silico analysis predicts that this variant has a tolerated effect. According to the currently available evidence, this variant has been classified as uncertain significance (BP4_M).

Labcorp Genetics (formerly Invitae), Labcorp
Classification: Uncertain significance for Familial cold autoinflammatory syndrome 3. Last evaluated: 2025-11-24. Review status: criteria provided, single submitter. Criteria: Invitae Variant Classification Sherloc (09022015). Collection method: clinical testing. Allele origin: germline.
Comment: This sequence change replaces alanine, which is neutral and non-polar, with valine, which is neutral and non-polar, at codon 133 of the PLCG2 protein (p.Ala133Val). This variant is present in population databases (rs61755444, gnomAD 0.04%), and has an allele count higher than expected for a pathogenic variant. This missense change has been observed in individual(s) with immune dysregulation (PMID: 37769878). ClinVar contains an entry for this variant (Variation ID: 579871). An algorithm developed to predict the effect of missense changes on protein structure and function outputs the following: PolyPhen-2: "Benign". The valine amino acid residue is found in multiple mammalian species, which suggests that this missense change does not adversely affect protein function. In summary, the available evidence is currently insufficient to determine the role of this variant in disease. Therefore, it has been classified as a Variant of Uncertain Significance.

Blueprint Genetics
Classification: Likely benign. Last evaluated: 2024-09-23. Review status: criteria provided, single submitter. Criteria: ACMG Guidelines, 2015. Collection method: clinical testing. Allele origin: germline.

CeGaT Center for Human Genetics Tuebingen
Classification: Likely benign. Last evaluated: 2020-10-01. Review status: criteria provided, single submitter. Criteria: CeGaT Center For Human Genetics Tuebingen Variant Classification Criteria Version 2. Collection method: clinical testing. Allele origin: germline. Affected: yes. Observed: 1 variant allele.

Dr. Peter K. Rogan Lab, Western University
No classification provided (evidence only). Condition: Acute myeloid leukemia. Review status: no classification provided. Collection method: in vitro. Allele origin: not applicable. Functional consequence: retained intron. Not counted in ClinVar's aggregate classification.

Literature cited by the submitters: PubMed 37769878 (cited by Labcorp Genetics (formerly Invitae), Labcorp).

NM_002661.5(PLCG2):c.398C>T (p.Ala133Val)

Gene: PLCG2 (phospholipase C gamma 2; plus strand). Cytogenetic location: 16q23.3.
Variant type: single nucleotide variant.
Coding change: c.398C>T on transcript NM_002661.5 (MANE Select); coding-DNA position 398, C replaced by T.
Protein change: p.Ala133Val; replaces alanine 133 with valine.
Molecular consequence: missense variant.
Genome position (GRCh38, 1-based): chr16:81,858,323, C>T. VCF-style: chr16-81858323-C-T. GRCh37 (hg19) VCF-style: chr16-81891928-C-T.
Other names: short protein forms A133V.
Identifiers: ClinVar variation 579871 (VCV000579871.50), dbSNP rs61755444, ClinGen allele CA8193166.